The following is an entry in ClinVar:

ClinVar aggregate classification (germline): Uncertain significance. Review status: criteria provided, multiple submitters, no conflicts (2 of 4 stars). 3 submissions from 3 submitters: Uncertain significance (3). Last evaluated 2023-09-11.

Conditions:
Hereditary cancer-predisposing syndrome. Also called: Hereditary neoplastic syndrome; Neoplastic Syndromes, Hereditary; Hereditary Cancer Syndrome; Tumor predisposition. Identifiers: Orphanet 140162, MedGen C0027672, MeSH D009386, MONDO:0015356.
Oligodontia-cancer predisposition syndrome. Also called: TOOTH AGENESIS-COLORECTAL CANCER SYNDROME. Identifiers: Orphanet 300576, MedGen C1837750, MONDO:0012075, OMIM 608615. Disease mechanism: loss of function.

Submissions (3):

Ambry Genetics
Classification: Uncertain significance for Hereditary cancer-predisposing syndrome. Last evaluated: 2023-09-11. Review status: criteria provided, single submitter. Criteria: Ambry Variant Classification Scheme 2023. Collection method: clinical testing. Allele origin: germline.
Comment: The p.H338L variant (also known as c.1013A>T), located in coding exon 3 of the AXIN2 gene, results from an A to T substitution at nucleotide position 1013. The histidine at codon 338 is replaced by leucine, an amino acid with similar properties. This amino acid position is well conserved in available vertebrate species. In addition, the in silico prediction for this alteration is inconclusive. Since supporting evidence is limited at this time, the clinical significance of this alteration remains unclear.

Quest Diagnostics Nichols Institute San Juan Capistrano
Classification: Uncertain significance. Last evaluated: 2023-08-14. Review status: criteria provided, single submitter. Criteria: Quest Diagnostics criteria. Collection method: clinical testing. Allele origin: unknown.
Comment: The variant has not been reported in individuals with AXIN2-related conditions in the published literature. It also has not been reported in large, multi-ethnic general populations (Genome Aggregation Database). Analysis of this variant using bioinformatics tools for the prediction of the effect of amino acid changes on protein structure and function yielded predictions that this variant is benign. Based on the available information, we are unable to determine the clinical significance of this variant.

Labcorp Genetics (formerly Invitae), Labcorp
Classification: Uncertain significance for Oligodontia-cancer predisposition syndrome. Last evaluated: 2022-08-19. Review status: criteria provided, single submitter. Criteria: Invitae Variant Classification Sherloc (09022015). Collection method: clinical testing. Allele origin: germline.
Comment: This sequence change replaces histidine, which is basic and polar, with leucine, which is neutral and non-polar, at codon 338 of the AXIN2 protein (p.His338Leu). This variant is not present in population databases (gnomAD no frequency). This variant has not been reported in the literature in individuals affected with AXIN2-related conditions. Algorithms developed to predict the effect of missense changes on protein structure and function are either unavailable or do not agree on the potential impact of this missense change (SIFT: "Tolerated"; PolyPhen-2: "Probably Damaging"; Align-GVGD: "Class C0"). In summary, the available evidence is currently insufficient to determine the role of this variant in disease. Therefore, it has been classified as a Variant of Uncertain Significance.

NM_004655.4(AXIN2):c.1013A>T (p.His338Leu)

Gene: AXIN2 (axin 2; minus strand). Cytogenetic location: 17q24.1.
Variant type: single nucleotide variant.
Coding change: c.1013A>T on transcript NM_004655.4 (MANE Select); coding-DNA position 1013, A replaced by T.
Protein change: p.His338Leu; replaces histidine 338 with leucine.
Molecular consequence: missense variant.
Genome position (GRCh38, 1-based): chr17:65,541,501, T>A on the plus strand (A>T on the coding strand, the complement: AXIN2 is on the minus strand). VCF-style: chr17-65541501-T-A. GRCh37 (hg19) VCF-style: chr17-63537619-T-A.
Other names: c.1013A>T, p.His338Leu (NM_001363813.1); short protein forms H338L.
Identifiers: ClinVar variation 1716948 (VCV001716948.8), dbSNP rs2544196525, ClinGen allele CA400679235.